The following is an entry in ClinVar:

ClinVar aggregate classification (germline): Uncertain significance (1 of 4 stars; one submission).

Conditions:
Familial cancer of breast. Also called: hereditary breast carcinoma; BREAST CANCER, FAMILIAL; Hereditary breast cancer. Identifiers: Orphanet 227535, MedGen C0346153, MONDO:0016419, OMIM 114480. Disease mechanism: loss of function.

Allele frequency attached by ClinVar (database versions not stated): gnomAD exomes below 0.00001.
gnomAD v4.1: 1 of 1,614,162 alleles (0.000062%); highest among the groups gnomAD compares: Non-Finnish European, 0.000085%; no homozygotes.

Submission:

Labcorp Genetics (formerly Invitae), Labcorp
Classification: Uncertain significance for Familial cancer of breast. Last evaluated: 2019-08-13. Review status: criteria provided, single submitter. Criteria: Invitae Variant Classification Sherloc (09022015). Collection method: clinical testing. Allele origin: germline.
Comment: In summary, the available evidence is currently insufficient to determine the role of this variant in disease. Therefore, it has been classified as a Variant of Uncertain Significance. This sequence change replaces valine with alanine at codon 1154 of the PALB2 protein (p.Val1154Ala). The valine residue is weakly conserved and there is a small physicochemical difference between valine and alanine. This variant is not present in population databases (ExAC no frequency). This variant has not been reported in the literature in individuals with PALB2-related conditions. Algorithms developed to predict the effect of missense changes on protein structure and function (SIFT, PolyPhen-2, Align-GVGD) all suggest that this variant is likely to be tolerated, but these predictions have not been confirmed by published functional studies and their clinical significance is uncertain.

NM_024675.4(PALB2):c.3461T>C (p.Val1154Ala)

Gene: PALB2 (partner and localizer of BRCA2; minus strand). Cytogenetic location: 16p12.2.
Variant type: single nucleotide variant.
Coding change: c.3461T>C on transcript NM_024675.4 (MANE Select); coding-DNA position 3461, T replaced by C.
Protein change: p.Val1154Ala; replaces valine 1154 with alanine.
Molecular consequence: missense variant.
Genome position (GRCh38, 1-based): chr16:23,603,559, A>G on the plus strand (T>C on the coding strand, the complement: PALB2 is on the minus strand). VCF-style: chr16-23603559-A-G. GRCh37 (hg19) VCF-style: chr16-23614880-A-G.
Other names: short protein forms V1154A.
Identifiers: ClinVar variation 940689 (VCV000940689.10), dbSNP rs1966399348, ClinGen allele CA395138060.